The following is an entry in ClinVar:

ClinVar aggregate classification (germline): Likely pathogenic (1 of 4 stars; one submission).

Conditions:
Autosomal recessive congenital ichthyosis 1 (LI1). Also called: DESQUAMATION OF NEWBORN; ICHTHYOSIS CONGENITA; ICHTHYOSIS CONGENITA II; LAMELLAR EXFOLIATION OF NEWBORN; ICHTHYOSIS, CONGENITAL, AUTOSOMAL RECESSIVE 1, WITH BATHING SUIT DISTRIBUTION; ICHTHYOSIS, CONGENITAL, AUTOSOMAL RECESSIVE 1, WITH OR WITHOUT BATHING SUIT DISTRIBUTION. Identifiers: MedGen C4551630, MONDO:0009441, OMIM 242300.

Submission:

Myriad Genetics, Inc.
Classification: Likely pathogenic for Autosomal recessive congenital ichthyosis 1. Last evaluated: 2022-03-21. Review status: criteria provided, single submitter. Criteria: Myriad Women's Health Autosomal Recessive and X-Linked Classification Criteria (2021). Collection method: clinical testing. Allele origin: unknown.
Comment: NM_000359.2(TGM1):c.527_528delGC(G176Efs*62) is expected to be pathogenic in the context of TGM1-related autosomal recessive congenital ichthyosis. This variant is predicted to lead to an abnormal or absent protein product due to the creation of a premature termination codon in TGM1, a gene where loss-of-function variants are known to be pathogenic. Please note: this variant was assessed in the context of healthy population screening.

NM_000359.3(TGM1):c.527_528del (p.Gly176fs)

Gene: TGM1 (transglutaminase 1; minus strand). Cytogenetic location: 14q12.
Variant type: Deletion.
Coding change: c.527_528del on transcript NM_000359.3 (MANE Select); coding-DNA positions 527 to 528, 2 bases deleted (GC; older notation c.527_528delGC).
Protein change: p.Gly176fs; shifts the reading frame from glycine 176.
Molecular consequence: frameshift variant.
Genome position (GRCh38, 1-based): chr14:24,260,679-24,260,680, GC deleted on the plus strand (GC on the coding strand, the reverse complement: TGM1 is on the minus strand). VCF-style (leftmost placement, unchanged base first): chr14-24260678-TGC-T. GRCh37 (hg19) VCF-style: chr14-24729884-TGC-T.
Other names: short protein forms G176fs.
Identifiers: ClinVar variation 1725446 (VCV001725446.2), dbSNP rs2502506183, ClinGen allele CA2580087987.
Genomic context (GRCh38, chr14:24,260,678, plus strand): 5'-CCTGGGCTTTCCAGCCTCCACTGCCCCCCTTGCCCACTGGGATGATCACGTGCGTGCCCT[TGC>T]CCACCTCGGGGTTGTTTCCTAGAGTAGGAAATCAGCAATTAGCTGGCAAGGCCTCCCTGA-3'